The following is an entry in ClinVar:

ClinVar aggregate classification (germline): Uncertain significance (1 of 4 stars; one submission).

Conditions:
Hereditary spastic paraplegia 39 (SPG39). Also called: Spastic Paraplegia Type 39 (SPG39); SPASTIC PARAPLEGIA 39, AUTOSOMAL RECESSIVE. Identifiers: Orphanet 139480, MedGen C2677586, MONDO:0012787, OMIM 612020.

Allele frequency attached by ClinVar (database versions not stated): gnomAD exomes 0.00001.
gnomAD v4.1: 15 of 1,609,256 alleles (0.00093%); highest among the groups gnomAD compares: Non-Finnish European, 0.0013%; no homozygotes.

Submission:

Labcorp Genetics (formerly Invitae), Labcorp
Classification: Uncertain significance for Hereditary spastic paraplegia 39. Last evaluated: 2021-08-28. Review status: criteria provided, single submitter. Criteria: Invitae Variant Classification Sherloc (09022015). Collection method: clinical testing. Allele origin: germline.
Comment: This sequence change replaces glutamine with arginine at codon 1312 of the PNPLA6 protein (p.Gln1312Arg). The glutamine residue is weakly conserved and there is a small physicochemical difference between glutamine and arginine. This variant is not present in population databases (ExAC no frequency). This variant has not been reported in the literature in individuals affected with PNPLA6-related conditions. Algorithms developed to predict the effect of missense changes on protein structure and function (SIFT, PolyPhen-2, Align-GVGD) all suggest that this variant is likely to be tolerated. In summary, the available evidence is currently insufficient to determine the role of this variant in disease. Therefore, it has been classified as a Variant of Uncertain Significance.

NM_001166114.2(PNPLA6):c.4049A>G (p.Gln1350Arg)

Gene: PNPLA6 (patatin like domain 6, lysophospholipase; plus strand). Cytogenetic location: 19p13.2.
Variant type: single nucleotide variant.
Coding change: c.4049A>G on transcript NM_001166114.2 (MANE Select); coding-DNA position 4049, A replaced by G.
Protein change: p.Gln1350Arg; replaces glutamine 1350 with arginine.
Molecular consequence: missense variant.
Genome position (GRCh38, 1-based): chr19:7,561,513, A>G. VCF-style: chr19-7561513-A-G. GRCh37 (hg19) VCF-style: chr19-7626399-A-G.
Other names: c.4079A>G, p.Gln1360Arg (NM_001166111.2); c.3854A>G, p.Gln1285Arg (NM_001166112.2); c.3935A>G, p.Gln1312Arg (NM_001166113.1, NM_006702.5); short protein forms Q1285R, Q1312R, Q1360R, Q1350R.
Identifiers: ClinVar variation 1412492 (VCV001412492.5), dbSNP rs2146124636, ClinGen allele CA403139905.